The following is an entry in ClinVar:

ClinVar aggregate classification (germline): Likely benign (0 of 4 stars; one submission).

Conditions:
NLGN1-related disorder. Also called: NLGN1-related condition.

Allele frequency attached by ClinVar (database versions not stated): ExAC 0.00001; TOPMed 0.00003.
gnomAD v4.1: 13 of 1,613,758 alleles (0.00081%); highest among the groups gnomAD compares: East Asian, 0.013%; no homozygotes.

Submission:

PreventionGenetics, part of Exact Sciences
Classification: Likely benign for NLGN1-related condition. Last evaluated: 2019-07-01. Review status: no assertion criteria provided. Collection method: clinical testing. Allele origin: germline.
Comment: This variant is classified as likely benign based on ACMG/AMP sequence variant interpretation guidelines (Richards et al. 2015 PMID: 25741868, with internal and published modifications).

NM_001365925.2(NLGN1):c.111G>A (p.Leu37=)

Gene: NLGN1 (neuroligin 1; plus strand). Cytogenetic location: 3q26.31.
Variant type: single nucleotide variant.
Coding change: c.111G>A on transcript NM_001365925.2 (MANE Select); coding-DNA position 111, G replaced by A.
Protein change: p.Leu37=; no amino-acid change (leucine 37 retained).
Molecular consequence: synonymous variant.
Genome position (GRCh38, 1-based): chr3:173,604,709, G>A. VCF-style: chr3-173604709-G-A. GRCh37 (hg19) VCF-style: chr3-173322499-G-A.
Other names: c.111G>A, p.Leu37= (NM_001365923.2, NM_001365924.2, NM_001365926.2 and 11 more transcripts).
Identifiers: ClinVar variation 3043147 (VCV003043147.2), dbSNP rs750281465, ClinGen allele CA2708465.